The following is an entry in ClinVar:

NM_001367624.2(ZNF469):c.4044G>C (p.Lys1348Asn)

Gene: ZNF469 (zinc finger protein 469; plus strand). Cytogenetic location: 16q24.2.
Variant type: single nucleotide variant.
Coding change: c.4044G>C on transcript NM_001367624.2 (MANE Select); coding-DNA position 4044, G replaced by C.
Protein change: p.Lys1348Asn; replaces lysine 1348 with asparagine.
Molecular consequence: missense variant.
Genome position (GRCh38, 1-based): chr16:88,431,514, G>C. VCF-style: chr16-88431514-G-C. GRCh37 (hg19) VCF-style: chr16-88497922-G-C.
Other names: short protein forms K1348N.
Identifiers: ClinVar variation 3609498 (VCV003609498.2).

ClinVar aggregate classification (germline): Uncertain significance (1 of 4 stars; one submission).

gnomAD v4.1: 5 of 1,550,444 alleles (0.00032%); highest among the groups gnomAD compares: African/African-American, 0.0041%; no homozygotes.

Submission:

Labcorp Genetics (formerly Invitae), Labcorp
Classification: Uncertain significance. Last evaluated: 2025-01-23. Review status: criteria provided, single submitter. Criteria: Invitae Variant Classification Sherloc (09022015). Collection method: clinical testing. Allele origin: germline.
Comment: This sequence change replaces lysine, which is basic and polar, with asparagine, which is neutral and polar, at codon 1320 of the ZNF469 protein (p.Lys1320Asn). This variant is not present in population databases (gnomAD no frequency). This variant has not been reported in the literature in individuals affected with ZNF469-related conditions. An algorithm developed to predict the effect of missense changes on protein structure and function (PolyPhen-2) suggests that this variant is likely to be tolerated. In summary, the available evidence is currently insufficient to determine the role of this variant in disease. Therefore, it has been classified as a Variant of Uncertain Significance.